The following is an entry in ClinVar:

ClinVar aggregate classification (germline): Uncertain significance. Review status: criteria provided, multiple submitters, no conflicts (2 of 4 stars). 6 submissions from 6 submitters: Uncertain significance (5). 1 of the submissions does not count toward it. Last evaluated 2026-01-27.

Conditions:
Hereditary cancer-predisposing syndrome. Also called: Neoplastic Syndromes, Hereditary; Hereditary Cancer Syndrome; Tumor predisposition; Hereditary neoplastic syndrome. Identifiers: Orphanet 140162, MedGen C0027672, MeSH D009386, MONDO:0015356.
Familial cancer of breast. Also called: hereditary breast carcinoma; Hereditary breast cancer; BREAST CANCER, FAMILIAL. Identifiers: Orphanet 227535, MedGen C0346153, MONDO:0016419, OMIM 114480. Disease mechanism: loss of function.
Ataxia-telangiectasia syndrome (AT). Also called: LOUIS-BAR SYNDROME; Ataxia-telangiectasia, complementation group D; AT, COMPLEMENTATION GROUP C; Ataxia-telangiectasia, complementation group E; Ataxia telangiectasia (A-T); Cerebello-oculocutaneous telangiectasia. Identifiers: Orphanet 100, MedGen C0004135, MONDO:0008840, OMIM 208900.

Allele frequency attached by ClinVar (database versions not stated): gnomAD exomes below 0.00001; gnomAD 0.00001.

Submissions (6):

Labcorp Genetics (formerly Invitae), Labcorp
Classification: Uncertain significance for Ataxia-telangiectasia syndrome. Last evaluated: 2026-01-27. Review status: criteria provided, single submitter. Criteria: Invitae Variant Classification Sherloc (09022015). Collection method: clinical testing. Allele origin: germline.
Comment: This sequence change replaces glutamine, which is neutral and polar, with arginine, which is basic and polar, at codon 163 of the ATM protein (p.Gln163Arg). This variant is not present in population databases (gnomAD no frequency). This missense change has been observed in individual(s) with clinical features of ataxia telangiectasia (PMID: 22071889). ClinVar contains an entry for this variant (Variation ID: 233723). Invitae Evidence Modeling of protein sequence and biophysical properties (such as structural, functional, and spatial information, amino acid conservation, physicochemical variation, residue mobility, and thermodynamic stability) indicates that this missense variant is not expected to disrupt ATM protein function with a negative predictive value of 95%. Experimental studies have shown that this missense change does not substantially affect ATM function (PMID: 22071889). In summary, the available evidence is currently insufficient to determine the role of this variant in disease. Therefore, it has been classified as a Variant of Uncertain Significance.

Ambry Genetics
Classification: Uncertain significance for Hereditary cancer-predisposing syndrome. Last evaluated: 2025-05-17. Review status: criteria provided, single submitter. Criteria: Ambry Variant Classification Scheme 2023. Collection method: clinical testing. Allele origin: germline.
Comment: The p.Q163R variant (also known as c.488A>G), located in coding exon 4 of the ATM gene, results from an A to G substitution at nucleotide position 488. The glutamine at codon 163 is replaced by arginine, an amino acid with highly similar properties. In addition, cell lines derived from this patient showed normal response to ionizing radiation (Jacquemin V et al. Eur J Hum Genet, 2012 Mar;20:305-12). This alteration was also detected in a study of 1054 BRCA-negative Hispanic women with hereditary breast cancer and 1199 controls (Weitzel JN et al. Cancer, 2019 08;125:2829-2836). This amino acid position is highly conserved in available vertebrate species. In addition, the in silico prediction for this alteration is inconclusive. Since supporting evidence is limited at this time, the clinical significance of this alteration remains unclear.

Baylor Genetics
Classification: Uncertain significance for Familial cancer of breast. Last evaluated: 2024-03-22. Review status: criteria provided, single submitter. Criteria: ACMG Guidelines, 2015. Collection method: clinical testing. Allele origin: unknown.

Women's Health and Genetics/Laboratory Corporation of America, LabCorp
Classification: Uncertain significance. Last evaluated: 2023-03-27. Review status: criteria provided, single submitter. Criteria: LabCorp Variant Classification Summary - May 2015. Collection method: clinical testing. Allele origin: germline.
Comment: Variant summary: ATM c.488A>G (p.Gln163Arg) results in a conservative amino acid change located in the Telomere-length maintenance and DNA damage repair domain (IPR021668) of the encoded protein sequence. Three of five in-silico tools predict a benign effect of the variant on protein function. The variant was absent in 251328 control chromosomes (gnomAD). The available data on variant occurrences in the general population are insufficient to allow any conclusion about variant significance. c.488A>G has been reported in the literature in one individual with non-defined diagnosis, but presenting some features of A-T (ataxia and increased level of AFP) (Jacquemin_2012) and one individual affected with breast cancer (Weitzel_2019). These reports do not provide unequivocal conclusions about association of the variant with Ataxia-Telangiectasia. To our knowledge, no experimental evidence demonstrating an impact on protein function has been reported. Three ClinVar submitters (evaluation after 2014) cite this variant as uncertain significance. Based on the evidence outlined above, the variant was classified as uncertain significance.

Blueprint Genetics
Classification: Uncertain significance. Last evaluated: 2022-11-15. Review status: criteria provided, single submitter. Criteria: ACMG Guidelines, 2015. Collection method: clinical testing. Allele origin: germline.

Natera, Inc.
Classification: Uncertain significance for Ataxia-telangiectasia. Last evaluated: 2020-12-28. Review status: no assertion criteria provided. Collection method: clinical testing. Allele origin: germline. Not counted in ClinVar's aggregate classification.

Literature cited by the submitters: PubMed 22071889 (cited by 3 submitters); PubMed 31206626 (cited by Ambry Genetics and Women's Health and Genetics/Laboratory Corporation of America, LabCorp); PubMed 19404735 (cited by Women's Health and Genetics/Laboratory Corporation of America, LabCorp).

NM_000051.4(ATM):c.488A>G (p.Gln163Arg)

Gene: ATM (ATM serine/threonine kinase; plus strand). Cytogenetic location: 11q22.3.
Variant type: single nucleotide variant.
Coding change: c.488A>G on transcript NM_000051.4 (MANE Select); coding-DNA position 488, A replaced by G.
Protein change: p.Gln163Arg; replaces glutamine 163 with arginine.
Molecular consequence: missense variant.
Genome position (GRCh38, 1-based): chr11:108,235,826, A>G. VCF-style: chr11-108235826-A-G. GRCh37 (hg19) VCF-style: chr11-108106553-A-G.
Other names: c.488A>G, p.Gln163Arg (NM_001351834.2); short protein forms Q163R.
Identifiers: ClinVar variation 233723 (VCV000233723.22), dbSNP rs876660598, ClinGen allele CA10578960.